The following is an entry in ClinVar:

NM_007194.4(CHEK2):c.771T>C (p.Ala257=)

Gene: CHEK2 (checkpoint kinase 2; minus strand). Cytogenetic location: 22q12.1.
Variant type: single nucleotide variant.
Coding change: c.771T>C on transcript NM_007194.4 (MANE Select); coding-DNA position 771, T replaced by C.
Protein change: p.Ala257=; no amino-acid change (alanine 257 retained).
Molecular consequence: synonymous variant.
Genome position (GRCh38, 1-based): chr22:28,711,930, A>G on the plus strand (T>C on the coding strand, the complement: CHEK2 is on the minus strand). VCF-style: chr22-28711930-A-G. GRCh37 (hg19) VCF-style: chr22-29107918-A-G.
Other names: c.900T>C, p.Ala300= (NM_001005735.3); c.108T>C, p.Ala36= (NM_001257387.3); c.570T>C, p.Ala190= (NM_001349956.3); c.771T>C, p.Ala257= (NM_145862.3).
Identifiers: ClinVar variation 3772707 (VCV003772707.1).

ClinVar aggregate classification (germline): Benign (1 of 4 stars; one submission).

Conditions:
Familial cancer of breast. Also called: Hereditary breast cancer; BREAST CANCER, FAMILIAL; hereditary breast carcinoma. Identifiers: Orphanet 227535, MedGen C0346153, MONDO:0016419, OMIM 114480. Disease mechanism: loss of function.

Submission:

Myriad Genetics, Inc.
Classification: Benign for Familial cancer of breast. Last evaluated: 2024-10-03. Review status: criteria provided, single submitter. Criteria: Myriad Autosomal Dominant, Autosomal Recessive and X-Linked Classification Criteria (2023). Collection method: clinical testing. Allele origin: unknown.
Comment: This variant is considered benign. This variant is a silent/synonymous amino acid change and it is not expected to impact splicing.